The following is an entry in ClinVar:

ClinVar aggregate classification (germline): Pathogenic. Review status: criteria provided, multiple submitters, no conflicts (2 of 4 stars). 2 submissions from 2 submitters: Pathogenic (2). Last evaluated 2024-02-15.

Conditions:
Microcephaly, normal intelligence and immunodeficiency (NBS). Also called: IMMUNODEFICIENCY, MICROCEPHALY, AND CHROMOSOMAL INSTABILITY; SEEMANOVA SYNDROME II; Immunodeficiency, microcephaly with normal intelligence; Ataxia telangiectasia variant V1; Nijmegen breakage syndrome; Microcephaly with normal intelligence immunodeficiency and lymphoreticular malignancies. Identifiers: Orphanet 647, MedGen C0398791, MONDO:0009623, OMIM 251260.
Hereditary cancer-predisposing syndrome. Also called: Hereditary neoplastic syndrome; Neoplastic Syndromes, Hereditary; Tumor predisposition; Hereditary Cancer Syndrome. Identifiers: Orphanet 140162, MedGen C0027672, MeSH D009386, MONDO:0015356.

Submissions (2):

Ambry Genetics
Classification: Pathogenic for Hereditary cancer-predisposing syndrome. Last evaluated: 2024-02-15. Review status: criteria provided, single submitter. Criteria: Ambry Variant Classification Scheme 2023. Collection method: clinical testing. Allele origin: germline.
Comment: The c.1038_1039dupGT pathogenic mutation, located in coding exon 9 of the NBN gene, results from a duplication of GT at nucleotide position 1038, causing a translational frameshift with a predicted alternate stop codon (p.S347Cfs*7). This variant is considered to be rare based on population cohorts in the Genome Aggregation Database (gnomAD). This alteration is expected to result in loss of function by premature protein truncation or nonsense-mediated mRNA decay. As such, this alteration is interpreted as a disease-causing mutation.

Labcorp Genetics (formerly Invitae), Labcorp
Classification: Pathogenic for Microcephaly, normal intelligence and immunodeficiency. Last evaluated: 2021-12-08. Review status: criteria provided, single submitter. Criteria: Invitae Variant Classification Sherloc (09022015). Collection method: clinical testing. Allele origin: germline.
Comment: For these reasons, this variant has been classified as Pathogenic. ClinVar contains an entry for this variant (Variation ID: 411753). This variant has not been reported in the literature in individuals affected with NBN-related conditions. This variant is not present in population databases (gnomAD no frequency). This sequence change creates a premature translational stop signal (p.Ser347Cysfs*7) in the NBN gene. It is expected to result in an absent or disrupted protein product. Loss-of-function variants in NBN are known to be pathogenic (PMID: 9590180, 16415040).

Literature cited by the submitters: PubMed 9590180 (cited by Labcorp Genetics (formerly Invitae), Labcorp); PubMed 16415040 (cited by Labcorp Genetics (formerly Invitae), Labcorp).

NM_002485.5(NBN):c.1038_1039dup (p.Ser347fs)

Gene: NBN (nibrin; minus strand). Cytogenetic location: 8q21.3.
Variant type: Microsatellite.
Coding change: c.1038_1039dup on transcript NM_002485.5 (MANE Select); coding-DNA positions 1038 to 1039, 2 bases duplicated (GT; older notation c.1038_1039dupGT).
Protein change: p.Ser347fs; shifts the reading frame from serine 347.
Molecular consequence: frameshift variant.
Genome position (GRCh38, 1-based): chr8:89,958,810-89,958,811, AC duplicated on the plus strand (GT on the coding strand, the reverse complement: NBN is on the minus strand); duplicating any 2 consecutive bases within chr8:89,958,810-89,958,813 gives the same sequence; the c. name uses the placement nearest the transcript's 3' end. VCF-style (leftmost placement, unchanged base first): chr8-89958809-G-GAC. GRCh37 (hg19) VCF-style: chr8-90971037-G-GAC.
Other names: c.1038_1039dupGT (NM_002485.4); c.792_793dup, p.Ser265fs (NM_001024688.3); short protein forms S347fs, S265fs.
Identifiers: ClinVar variation 411753 (VCV000411753.7), dbSNP rs1554560432, ClinGen allele CA16612493.